The following is an entry in ClinVar:

NM_000552.5(VWF):c.1574G>A (p.Gly525Glu)

Gene: VWF (von Willebrand factor; minus strand). Cytogenetic location: 12p13.31.
Variant type: single nucleotide variant.
Coding change: c.1574G>A on transcript NM_000552.5 (MANE Select); coding-DNA position 1574, G replaced by A.
Protein change: p.Gly525Glu; replaces glycine 525 with glutamic acid.
Molecular consequence: missense variant.
Genome position (GRCh38, 1-based): chr12:6,058,004, C>T on the plus strand (G>A on the coding strand, the complement: VWF is on the minus strand). VCF-style: chr12-6058004-C-T. GRCh37 (hg19) VCF-style: chr12-6167170-C-T.
Other names: short protein forms G525E.
Identifiers: ClinVar variation 1065245 (VCV001065245.3), dbSNP rs2136455968, ClinGen allele CA383498329.

ClinVar aggregate classification (germline): Uncertain significance (0 of 4 stars; one submission).

Conditions:
von Willebrand disease type 3 (VWD3). Also called: Type 3 Von Willebrand's disease; Type 3 VWD; Von Willebrand disease, severe form; V WD3; VON WILLEBRAND DISEASE, TYPE III. Identifiers: Orphanet 166096, MedGen C1264041, MONDO:0010191, OMIM 277480.

Submission:

Angelo Bianchi Bonomi Hemophilia and Thrombosis Center, Fondazione IRCCS Ca Granda Ospedale Maggiore Policlinico
Classification: Uncertain significance for von Willebrand disease type 3. Last evaluated: 2020-11-01. Review status: no assertion criteria provided. Collection method: clinical testing. Allele origin: germline. Affected: yes. Study: Type 3 Von Willebrand International Registries Inhibitor Prospective Study (3WINTERS-IPS).
Comment: ClinGen Pathogenicity Calculator